The following is an entry in ClinVar:

NM_130384.3(ATRIP):c.82C>T (p.His28Tyr)

Genes: ATRIP (ATR interacting protein; plus strand), ATRIP-TREX1 (ATRIP-TREX1 readthrough; plus strand), LOC129936703 (ATAC-STARR-seq lymphoblastoid silent region 14331; plus strand). Cytogenetic location: 3p21.31.
Variant type: single nucleotide variant.
Coding change: c.82C>T on transcript NM_130384.3 (MANE Select); coding-DNA position 82, C replaced by T.
Protein change: p.His28Tyr; replaces histidine 28 with tyrosine.
Molecular consequence: missense variant. On other transcripts: non-coding transcript variant (1), intron variant (1).
Genome position (GRCh38, 1-based): chr3:48,446,927, C>T. VCF-style: chr3-48446927-C-T. GRCh37 (hg19) VCF-style: chr3-48488331-C-T.
Other names: c.82C>T, p.His28Tyr (NM_032166.4); c.-218+128C>T (NM_001271022.2); short protein forms H28Y.
Identifiers: ClinVar variation 3977323 (VCV003977323.2).

ClinVar aggregate classification (germline): Uncertain significance (1 of 4 stars; one submission).

Submission:

Ambry Genetics
Classification: Uncertain significance. Last evaluated: 2026-08-02. Review status: criteria provided, single submitter. Criteria: Ambry Variant Classification Scheme 2023. Collection method: clinical testing. Allele origin: germline.
Comment: The p.H28Y variant (also known as c.82C>T), located in coding exon 1 of the ATRIP gene, results from a C to T substitution at nucleotide position 82. The histidine at codon 28 is replaced by tyrosine, an amino acid with similar properties. This amino acid position is conserved. In addition, this alteration is predicted to be tolerated by in silico analysis. Based on the available evidence, the clinical significance of this variant remains unclear.